The following is an entry in ClinVar:

ClinVar aggregate classification (germline): Conflicting classifications of pathogenicity. Review status: criteria provided, conflicting classifications (1 of 4 stars). 4 submissions from 4 submitters: Uncertain significance (3); Likely benign (1). Last evaluated 2025-12-04.

Conditions:
Inborn genetic diseases. Identifiers: MedGen C0950123, MeSH D030342.
Developmental and epileptic encephalopathy, 33 (DEE33). Also called: Epileptic encephalopathy, early infantile, 33. Identifiers: Orphanet 442835, MedGen C4225337, MONDO:0014625, OMIM 616409.

Submissions (4):

Ambry Genetics
Classification: Likely benign for Inborn genetic diseases. Last evaluated: 2025-12-04. Review status: criteria provided, single submitter. Criteria: Ambry Variant Classification Scheme 2023. Collection method: clinical testing. Allele origin: germline.

GeneDx
Classification: Uncertain significance. Last evaluated: 2025-07-23. Review status: criteria provided, single submitter. Criteria: GeneDx Variant Classification Process June 2021. Collection method: clinical testing. Allele origin: germline. Affected: yes.
Comment: Reported previously in a patient with intellectual disability, anxiety, and course facial features who also harbored variants in other genes (PMID: 29784605); In-frame deletion of 3 amino acids in a non-repeat region; In silico analysis suggests that this variant does not alter protein structure/function; This variant is associated with the following publications: (PMID: 36403551, 29784605)

Labcorp Genetics (formerly Invitae), Labcorp
Classification: Uncertain significance for Developmental and epileptic encephalopathy, 33. Last evaluated: 2025-06-10. Review status: criteria provided, single submitter. Criteria: Invitae Variant Classification Sherloc (09022015). Collection method: clinical testing. Allele origin: germline.
Comment: This variant, c.1375_1383del, results in the deletion of 3 amino acid(s) of the EEF1A2 protein (p.Gln459_Ala461del), but otherwise preserves the integrity of the reading frame. The frequency data for this variant in the population databases is considered unreliable, as metrics indicate poor data quality at this position in the gnomAD database. This variant has been observed in individual(s) with intellectual disability and/or epilepsy (PMID: 29784605, 36403551). ClinVar contains an entry for this variant (Variation ID: 252597). Experimental studies and prediction algorithms are not available or were not evaluated, and the functional significance of this variant is currently unknown. In summary, the available evidence is currently insufficient to determine the role of this variant in disease. Therefore, it has been classified as a Variant of Uncertain Significance.

Genomic Diagnostic Laboratory, Division of Genomic Diagnostics, Children's Hospital of Philadelphia
Classification: Uncertain significance. Last evaluated: 2015-11-19. Review status: criteria provided, single submitter. Criteria: DGD Variant Analysis Guidelines. Collection method: clinical testing. Allele origin: unknown.

Literature cited by the submitters: PubMed 29784605 (cited by Labcorp Genetics (formerly Invitae), Labcorp); PubMed 36403551 (cited by Labcorp Genetics (formerly Invitae), Labcorp).

NM_001958.5(EEF1A2):c.1366CAGAAGGCG[1] (p.456QKA[1])

Gene: EEF1A2 (eukaryotic translation elongation factor 1 alpha 2; minus strand). Cytogenetic location: 20q13.33.
Variant type: Microsatellite.
Coding change: c.1366CAGAAGGCG[1] on transcript NM_001958.5 (MANE Select); one copy of the 9-base unit CAGAAGGCG starting at c.1366; the reference has two copies in a row; one copy, 9 bases deleted; also written c.1375_1383del.
Protein change: p.456QKA[1].
Molecular consequence: inframe deletion.
Genome position (GRCh38, 1-based): chr20:63,488,307-63,488,315, CGCCTTCTG deleted on the plus strand (CAGAAGGCG on the coding strand, the reverse complement: EEF1A2 is on the minus strand); deleting any 9 consecutive bases within chr20:63,488,307-63,488,328 gives the same sequence; the position shown is the placement nearest the transcript's 3' end. VCF-style (leftmost placement, unchanged base first): chr20-63488306-CCGCCTTCTG-C. GRCh37 (hg19) VCF-style: chr20-62119659-CCGCCTTCTG-C.
Other names: c.1375_1383del (NM_001958.3); c.1375_1383delCAGAAGGCG (NM_001958.2).
Identifiers: ClinVar variation 252597 (VCV000252597.15), dbSNP rs879255373, ClinGen allele CA10586040.